The following is an entry in ClinVar:

ClinVar aggregate classification (germline): Uncertain significance (1 of 4 stars; one submission).

Allele frequency attached by ClinVar (database versions not stated): gnomAD exomes below 0.00001; TOPMed 0.00001.
gnomAD v4.1: 3 of 1,608,472 alleles (0.00019%); highest among the groups gnomAD compares: Non-Finnish European, 0.00025%; no homozygotes.

Submission:

Labcorp Genetics (formerly Invitae), Labcorp
Classification: Uncertain significance. Last evaluated: 2024-04-09. Review status: criteria provided, single submitter. Criteria: Invitae Variant Classification Sherloc (09022015). Collection method: clinical testing. Allele origin: germline.
Comment: This sequence change replaces valine, which is neutral and non-polar, with methionine, which is neutral and non-polar, at codon 2376 of the SZT2 protein (p.Val2376Met). This variant is present in population databases (no rsID available, gnomAD 0.0009%). This variant has not been reported in the literature in individuals affected with SZT2-related conditions. ClinVar contains an entry for this variant (Variation ID: 940466). Advanced modeling of protein sequence and biophysical properties (such as structural, functional, and spatial information, amino acid conservation, physicochemical variation, residue mobility, and thermodynamic stability) performed at Invitae indicates that this missense variant is not expected to disrupt SZT2 protein function with a negative predictive value of 80%. In summary, the available evidence is currently insufficient to determine the role of this variant in disease. Therefore, it has been classified as a Variant of Uncertain Significance.

NM_001365999.1(SZT2):c.7297G>A (p.Val2433Met)

Gene: SZT2 (SZT2 subunit of KICSTOR complex; plus strand). Cytogenetic location: 1p34.2.
Variant type: single nucleotide variant.
Coding change: c.7297G>A on transcript NM_001365999.1 (MANE Select); coding-DNA position 7297, G replaced by A.
Protein change: p.Val2433Met; replaces valine 2433 with methionine.
Molecular consequence: missense variant.
Genome position (GRCh38, 1-based): chr1:43,440,539, G>A. VCF-style: chr1-43440539-G-A. GRCh37 (hg19) VCF-style: chr1-43906210-G-A.
Other names: c.7126G>A, p.Val2376Met (NM_015284.4); short protein forms V2376M, V2433M.
Identifiers: ClinVar variation 940466 (VCV000940466.9), dbSNP rs1222976418, ClinGen allele CA340034386.